The following is an entry in ClinVar:

NM_004172.5(SLC1A3):c.38dup (p.Arg14fs)

Gene: SLC1A3 (solute carrier family 1 member 3; plus strand). Cytogenetic location: 5p13.2.
Variant type: Duplication.
Coding change: c.38dup on transcript NM_004172.5 (MANE Select); coding-DNA position 38, one base duplicated (G; older notation c.38dupG).
Protein change: p.Arg14fs; shifts the reading frame from arginine 14.
Molecular consequence: frameshift variant.
Genome position (GRCh38, 1-based): chr5:36,608,461, G duplicated; the last of 6 consecutive G bases (chr5:36,608,456-36,608,461); duplicating any one gives the same sequence. VCF-style (leftmost placement, unchanged base first): chr5-36608455-T-TG. GRCh37 (hg19) VCF-style: chr5-36608557-T-TG.
Other names: c.38dup, p.Arg14fs (NM_001166695.3, NM_001166696.3, NM_001289939.2 and 1 more transcripts); short protein forms R14fs.
Identifiers: ClinVar variation 4070718 (VCV004070718.1).

ClinVar aggregate classification (germline): Uncertain significance (1 of 4 stars; one submission).

Submission:

GeneDx
Classification: Uncertain significance. Last evaluated: 2025-01-16. Review status: criteria provided, single submitter. Criteria: GeneDx Variant Classification Process June 2021. Collection method: clinical testing. Allele origin: germline. Affected: yes.
Comment: Not observed at significant frequency in large population cohorts (gnomAD); Has not been previously published as pathogenic or benign to our knowledge; Frameshift variant predicted to result in protein truncation or nonsense mediated decay in a gene for which loss-of-function is not an established mechanism of disease